The following is an entry in ClinVar:

ClinVar aggregate classification (germline): Benign. Review status: criteria provided, multiple submitters, no conflicts (2 of 4 stars). 3 submissions from 3 submitters: Benign (3). Last evaluated 2026-02-03.

Conditions:
Gamma-aminobutyric acid transaminase deficiency (GABATD). Also called: GABA aminotransaminase deficiency; GABA transaminase deficiency; Gamma aminobutyrate transaminase deficiency; 4 alpha aminobutyrate transaminase deficiency. Identifiers: Orphanet 2066, MedGen C0342708, MONDO:0013166, OMIM 613163.

Allele frequency attached by ClinVar (database versions not stated): ESP Exome Variant Server 0.00446; gnomAD 0.00925 and 0.00990; gnomAD exomes 0.01031 and 0.02000; TOPMed 0.01220; ExAC 0.01807; 1000 Genomes Project 0.01857; 1000 Genomes Project 30x 0.01874.
gnomAD v4.1: 16,369 of 1,601,640 alleles (1%); highest among the groups gnomAD compares: Admixed American, 6.4%; 251 homozygotes.

Submissions (3):

Labcorp Genetics (formerly Invitae), Labcorp
Classification: Benign for Gamma-aminobutyric acid transaminase deficiency. Last evaluated: 2026-02-03. Review status: criteria provided, single submitter. Criteria: Invitae Variant Classification Sherloc (09022015). Collection method: clinical testing. Allele origin: germline.

Illumina Laboratory Services, Illumina
Classification: Benign for Gamma-aminobutyric acid transaminase deficiency. Last evaluated: 2018-01-12. Review status: criteria provided, single submitter. Criteria: ICSL Variant Classification Criteria 13 December 2019. Collection method: clinical testing. Allele origin: germline.
Comment: This variant was observed in the ICSL laboratory as part of a predisposition screen in an ostensibly healthy population. It had not been previously curated by ICSL or reported in the Human Gene Mutation Database (HGMD: prior to June 1st, 2018), and was therefore a candidate for classification through an automated scoring system. Utilizing variant allele frequency, disease prevalence and penetrance estimates, and inheritance mode, an automated score was calculated to assess if this variant is too frequent to cause the disease. Based on the score and internal cut-off values, a variant classified as benign is not then subjected to further curation. The score for this variant resulted in a classification of benign for this disease.

Breakthrough Genomics
Classification: Benign. Review status: criteria provided, single submitter. Criteria: ACMG Guidelines, 2015. Collection method: not provided. Allele origin: germline. Inheritance: Autosomal recessive inheritance. Affected: yes.

NM_020686.6(ABAT):c.168+12A>G

Gene: ABAT (4-aminobutyrate aminotransferase; plus strand). Cytogenetic location: 16p13.2.
Variant type: single nucleotide variant.
Coding change: c.168+12A>G on transcript NM_020686.6 (MANE Select); 12 bases into the intron after coding-DNA position 168, A replaced by G.
Molecular consequence: intron variant.
Genome position (GRCh38, 1-based): chr16:8,746,110, A>G. VCF-style: chr16-8746110-A-G. GRCh37 (hg19) VCF-style: chr16-8839967-A-G.
Other names: c.168+12A>G (NM_001386615.1, NM_001386609.1, NM_001386605.1 and 11 more transcripts); c.33+12A>G (NM_001386611.1, NM_001386612.1, NM_001386613.1); c.71-1998A>G (NM_001386610.1); c.70+10301A>G (NM_001386614.1).
Identifiers: ClinVar variation 320842 (VCV000320842.13), dbSNP rs75151311, ClinGen allele CA7892977.